The following is an entry in ClinVar:

NM_004456.5(EZH2):c.1843T>C (p.Ser615Pro)

Gene: EZH2 (enhancer of zeste 2 polycomb repressive complex 2 subunit; minus strand). Cytogenetic location: 7q36.1.
Variant type: single nucleotide variant.
Coding change: c.1843T>C on transcript NM_004456.5 (MANE Select); coding-DNA position 1843, T replaced by C.
Protein change: p.Ser615Pro; replaces serine 615 with proline.
Molecular consequence: missense variant.
Genome position (GRCh38, 1-based): chr7:148,813,967, A>G on the plus strand (T>C on the coding strand, the complement: EZH2 is on the minus strand). VCF-style: chr7-148813967-A-G. GRCh37 (hg19) VCF-style: chr7-148511059-A-G.
Other names: c.1828T>C, p.Ser610Pro (NM_001203247.2); c.1801T>C, p.Ser601Pro (NM_001203248.2); c.1675T>C, p.Ser559Pro (NM_001203249.2); c.1711T>C, p.Ser571Pro (NM_152998.3); short protein forms S559P, S571P, S601P, S610P, S615P.
Identifiers: ClinVar variation 3363390 (VCV003363390.1).

ClinVar aggregate classification (germline): Uncertain significance (1 of 4 stars; one submission).

Submission:

GeneDx
Classification: Uncertain significance. Last evaluated: 2023-10-23. Review status: criteria provided, single submitter. Criteria: GeneDx Variant Classification Process June 2021. Collection method: clinical testing. Allele origin: germline. Affected: yes.
Comment: Not observed at significant frequency in large population cohorts (gnomAD); In silico analysis supports that this missense variant does not alter protein structure/function; Has not been previously published as pathogenic or benign to our knowledge